The following is an entry in ClinVar:

NM_000521.4(HEXB):c.1310_1311del (p.Thr437fs)

Gene: HEXB (hexosaminidase subunit beta; plus strand). Cytogenetic location: 5q13.3.
Variant type: Microsatellite.
Coding change: c.1310_1311del on transcript NM_000521.4 (MANE Select); coding-DNA positions 1310 to 1311, 2 bases deleted (CA; older notation c.1310_1311delCA).
Protein change: p.Thr437fs; shifts the reading frame from threonine 437.
Molecular consequence: frameshift variant.
Genome position (GRCh38, 1-based): chr5:74,718,864-74,718,865, CA deleted; deleting any 2 consecutive bases within chr5:74,718,862-74,718,865 gives the same sequence; the c. name uses the placement nearest the transcript's 3' end. VCF-style (leftmost placement, unchanged base first): chr5-74718861-TCA-T. GRCh37 (hg19) VCF-style: chr5-74014686-TCA-T.
Other names: c.635_636del, p.Thr212fs (NM_001292004.2); short protein forms T437fs, T212fs.
Identifiers: ClinVar variation 960316 (VCV000960316.9), dbSNP rs761240717, ClinGen allele CA3306103.

ClinVar aggregate classification (germline): Pathogenic/Likely pathogenic. Review status: criteria provided, multiple submitters, no conflicts (2 of 4 stars). 3 submissions from 3 submitters: Pathogenic (1); Likely pathogenic (2). Last evaluated 2025-10-24.

Conditions:
Sandhoff disease. Also called: Beta-hexosaminidase-beta-subunit deficiency; GM2 gangliosidosis, type 2; Total hexosaminidase deficiency; Sandhoff-Jatzkewitz-Pilz disease; GM2-GANGLIOSIDOSIS, TYPE II; HEXOSAMINIDASES A AND B DEFICIENCY. Identifiers: Orphanet 796, MedGen C0036161, MONDO:0010006, OMIM 268800.

Submissions (3):

Labcorp Genetics (formerly Invitae), Labcorp
Classification: Pathogenic for Sandhoff disease. Last evaluated: 2025-10-24. Review status: criteria provided, single submitter. Criteria: Invitae Variant Classification Sherloc (09022015). Collection method: clinical testing. Allele origin: germline.
Comment: This sequence change creates a premature translational stop signal (p.Thr437Serfs*18) in the HEXB gene. It is expected to result in an absent or disrupted protein product. Loss-of-function variants in HEXB are known to be pathogenic (PMID: 7550345, 18758829). This variant is present in population databases (rs761240717, gnomAD 0.009%). This variant has not been reported in the literature in individuals affected with HEXB-related conditions. ClinVar contains an entry for this variant (Variation ID: 960316). Algorithms developed to predict the effect of sequence changes on RNA splicing suggest that this variant may disrupt the consensus splice site. For these reasons, this variant has been classified as Pathogenic.

Natera, Inc.
Classification: Likely pathogenic for Sandhoff disease. Last evaluated: 2025-09-29. Review status: criteria provided, single submitter. Criteria: Natera Variant Classification Schema (03/2026). Collection method: clinical testing. Allele origin: germline.
Comment: The c.1310_1311del variant in HEXB is a frameshift variant predicted to shift the reading frame beginning at codon 437 and leads to a stop codon 18 codons downstream. This variant is expected to result in nonsense mediated decay, truncation, or a dysfunctional protein product. This variant is rare in the general population with a frequency below the threshold expected for the associated phenotype(s). Given the available evidence, this variant is classified as Likely Pathogenic.

Fulgent Genetics
Classification: Likely pathogenic for Sandhoff disease. Last evaluated: 2024-02-01. Review status: criteria provided, single submitter. Criteria: ACMG Guidelines, 2015. Collection method: clinical testing. Allele origin: germline.

Literature cited by the submitters: PubMed 7550345 (cited by Labcorp Genetics (formerly Invitae), Labcorp); PubMed 18758829 (cited by Labcorp Genetics (formerly Invitae), Labcorp).